The following is an entry in ClinVar:

ClinVar aggregate classification (germline): Likely benign. Review status: criteria provided, multiple submitters, no conflicts (2 of 4 stars). 3 submissions from 3 submitters: Likely benign (3). Last evaluated 2024-08-13.

Conditions:
Hypertrophic cardiomyopathy. Also called: HYPERTROPHIC MYOCARDIOPATHY. Identifiers: Orphanet 217569, MedGen C0007194, MeSH D002312, MONDO:0005045, HP:0001639.
Cardiovascular phenotype. Identifiers: MedGen CN230736.
Cardiomyopathy (CMYO). Also called: Cardiomyopathies. Identifiers: Orphanet 167848, MedGen C0878544, MONDO:0004994, HP:0001638. Inheritance: Various modes of inheritance.

Allele frequency attached by ClinVar (database versions not stated): TOPMed below 0.00001; gnomAD 0.00001.
gnomAD v4.1: 1 of 1,614,150 alleles (0.000062%); highest among the groups gnomAD compares: Non-Finnish European, 0.000085%; no homozygotes.

Submissions (3):

All of Us Research Program, National Institutes of Health
Classification: Likely benign for Cardiomyopathy. Last evaluated: 2024-08-13. Review status: criteria provided, single submitter. Criteria: ACMG Guidelines, 2015. Collection method: clinical testing. Allele origin: germline. Inheritance: Autosomal dominant inheritance. Observed: 1 variant allele, 1 heterozygote.
Comment: This study involves interpretation of variants in research participants for the purpose of population health screening. Participant phenotype was not available at the time of variant classification. Additional details can be found in publication PMID: 35346344, PMCID: PMC8962531

Labcorp Genetics (formerly Invitae), Labcorp
Classification: Likely benign for Hypertrophic cardiomyopathy. Last evaluated: 2021-01-19. Review status: criteria provided, single submitter. Criteria: Invitae Variant Classification Sherloc (09022015). Collection method: clinical testing. Allele origin: germline.

Ambry Genetics
Classification: Likely benign for Cardiovascular phenotype. Last evaluated: 2020-01-29. Review status: criteria provided, single submitter. Criteria: Ambry Variant Classification Scheme 2023. Collection method: clinical testing. Allele origin: germline.

NM_000257.4(MYH7):c.4584G>A (p.Lys1528=)

Genes: MHRT (myosin heavy chain associated RNA transcript; plus strand), MYH7 (myosin heavy chain 7; minus strand). Cytogenetic location: 14q11.2.
Variant type: single nucleotide variant.
Coding change: c.4584G>A on transcript NM_000257.4 (MANE Select); coding-DNA position 4584, G replaced by A.
Protein change: p.Lys1528=; no amino-acid change (lysine 1528 retained).
Molecular consequence: synonymous variant. On other transcripts: non-coding transcript variant (1).
Genome position (GRCh38, 1-based): chr14:23,416,928, C>T on the plus strand (G>A on the coding strand, the complement: MYH7 is on the minus strand). VCF-style: chr14-23416928-C-T. GRCh37 (hg19) VCF-style: chr14-23886137-C-T.
Identifiers: ClinVar variation 1670016 (VCV001670016.11), dbSNP rs1892237100, ClinGen allele CA485616310.